The following is an entry in ClinVar:

NM_033064.5(ATCAY):c.*1235T>C

Gene: ATCAY (ATCAY kinesin light chain interacting caytaxin; plus strand). Cytogenetic location: 19p13.3.
Variant type: single nucleotide variant.
Coding change: c.*1235T>C on transcript NM_033064.5 (MANE Select); 1235 bases downstream of the stop codon, T replaced by C.
Molecular consequence: 3 prime UTR variant.
Genome position (GRCh38, 1-based): chr19:3,925,827, T>C. VCF-style: chr19-3925827-T-C. GRCh37 (hg19) VCF-style: chr19-3925825-T-C.
Identifiers: ClinVar variation 329179 (VCV000329179.5), dbSNP rs148116098, ClinGen allele CA10648703.
Genomic context (GRCh38, chr19:3,925,827, plus strand): 5'-GAGGCCGAGGCAGGCGGATCACCTGAGGTGAGGAGTTTGAGAACAGCCTGGCCAACATGG[T>C]GAAACCTCATCTCTACTAAAAATACAAAAATTAGCCAGGCGTGGTGGCAGGTGCCTGTAA-3'

ClinVar aggregate classification (germline): Benign (1 of 4 stars; one submission).

Conditions:
Cayman type cerebellar ataxia. Also called: Cayman ataxia. Identifiers: Orphanet 94122, MedGen C1832585, MONDO:0011025, OMIM 601238.

Allele frequency attached by ClinVar (database versions not stated): gnomAD 0.01355 and 0.01449; TOPMed 0.01482; 1000 Genomes Project 0.01717; 1000 Genomes Project 30x 0.01718.

Submission:

Illumina Laboratory Services, Illumina
Classification: Benign for Cayman type cerebellar ataxia. Last evaluated: 2018-01-12. Review status: criteria provided, single submitter. Criteria: ICSL Variant Classification Criteria 13 December 2019. Collection method: clinical testing. Allele origin: germline.
Comment: This variant was observed in the ICSL laboratory as part of a predisposition screen in an ostensibly healthy population. It had not been previously curated by ICSL or reported in the Human Gene Mutation Database (HGMD: prior to June 1st, 2018), and was therefore a candidate for classification through an automated scoring system. Utilizing variant allele frequency, disease prevalence and penetrance estimates, and inheritance mode, an automated score was calculated to assess if this variant is too frequent to cause the disease. Based on the score and internal cut-off values, a variant classified as benign is not then subjected to further curation. The score for this variant resulted in a classification of benign for this disease.